The following is an entry in ClinVar:

NM_001256071.3(RNF213):c.13415C>G (p.Pro4472Arg)

Genes: RNF213 (ring finger protein 213; plus strand), RNF213-AS1 (RNF213 antisense RNA 1; minus strand). Cytogenetic location: 17q25.3.
Variant type: single nucleotide variant.
Coding change: c.13415C>G on transcript NM_001256071.3 (MANE Select); coding-DNA position 13415, C replaced by G.
Protein change: p.Pro4472Arg; replaces proline 4472 with arginine.
Molecular consequence: missense variant.
Genome position (GRCh38, 1-based): chr17:80,376,530, C>G. VCF-style: chr17-80376530-C-G. GRCh37 (hg19) VCF-style: chr17-78350330-C-G.
Other names: c.13562C>G, p.Pro4521Arg (NM_001410195.1, NM_020914.5); short protein forms P4472R, P4521R.
Identifiers: ClinVar variation 3373105 (VCV003373105.1).

ClinVar aggregate classification (germline): Uncertain significance (1 of 4 stars; one submission).

gnomAD v4.1: 3 of 1,613,952 alleles (0.00019%); highest among the groups gnomAD compares: Non-Finnish European, 0.00025%; no homozygotes.

Submission:

GeneDx
Classification: Uncertain significance. Last evaluated: 2024-04-25. Review status: criteria provided, single submitter. Criteria: GeneDx Variant Classification Process June 2021. Collection method: clinical testing. Allele origin: germline. Affected: yes.
Comment: Not observed at significant frequency in large population cohorts (gnomAD); In silico analysis supports that this missense variant has a deleterious effect on protein structure/function; Has not been previously published as pathogenic or benign to our knowledge